The following is an entry in ClinVar:

NM_000540.3(RYR1):c.9218G>A (p.Arg3073His)

Gene: RYR1 (ryanodine receptor 1; plus strand). Cytogenetic location: 19q13.2.
Variant type: single nucleotide variant.
Coding change: c.9218G>A on transcript NM_000540.3 (MANE Select); coding-DNA position 9218, G replaced by A.
Protein change: p.Arg3073His; replaces arginine 3073 with histidine.
Molecular consequence: missense variant.
Genome position (GRCh38, 1-based): chr19:38,512,117, G>A. VCF-style: chr19-38512117-G-A. GRCh37 (hg19) VCF-style: chr19-39002757-G-A.
Other names: c.9218G>A, p.Arg3073His (NM_001042723.2); short protein forms R3073H.
Identifiers: ClinVar variation 3385497 (VCV003385497.2).

ClinVar aggregate classification (germline): Uncertain significance. Review status: criteria provided, multiple submitters, no conflicts (2 of 4 stars). 3 submissions from 3 submitters: Uncertain significance (3). Last evaluated 2025-12-15.

Conditions:
RYR1-related disorder. Also called: RYR1-related disorders; RYR1-related condition. Identifiers: MedGen CN239331.
Malignant hyperthermia, susceptibility to, 1 (MHS1). Also called: Anesthesia related hyperthermia; Malignant hyperpyrexia; Fulminating hyperpyrexia; Pharmacogenic myopathy; Malignant hyperthermia suceptibility 1; RYR1-Related Malignant Hyperthermia Susceptibility. Identifiers: Orphanet 423, MedGen C2930980, MONDO:0007783, OMIM 145600.

gnomAD v4.1: 8 of 1,614,058 alleles (0.0005%); highest among the groups gnomAD compares: East Asian, 0.0045%; no homozygotes.

Submissions (3):

Labcorp Genetics (formerly Invitae), Labcorp
Classification: Uncertain significance for RYR1-related disorder. Last evaluated: 2025-12-15. Review status: criteria provided, single submitter. Criteria: Invitae Variant Classification Sherloc (09022015). Collection method: clinical testing. Allele origin: germline.
Comment: This sequence change replaces arginine, which is basic and polar, with histidine, which is basic and polar, at codon 3073 of the RYR1 protein (p.Arg3073His). This variant is present in population databases (rs767536592, gnomAD 0.006%). This variant has not been reported in the literature in individuals affected with RYR1-related conditions. ClinVar contains an entry for this variant (Variation ID: 3385497). Invitae Evidence Modeling of protein sequence and biophysical properties (such as structural, functional, and spatial information, amino acid conservation, physicochemical variation, residue mobility, and thermodynamic stability) indicates that this missense variant is not expected to disrupt RYR1 protein function with a negative predictive value of 80%. In summary, the available evidence is currently insufficient to determine the role of this variant in disease. Therefore, it has been classified as a Variant of Uncertain Significance.

All of Us Research Program, National Institutes of Health
Classification: Uncertain significance for Malignant hyperthermia, susceptibility to, 1. Last evaluated: 2024-06-09. Review status: criteria provided, single submitter. Criteria: ACMG Guidelines, 2015. Collection method: clinical testing. Allele origin: germline. Inheritance: Autosomal dominant inheritance. Observed: 1 variant allele, 1 heterozygote.
Comment: This missense variant replaces arginine with histidine at codon 3073 of the RYR1 protein. Computational prediction is inconclusive regarding the impact of this variant on protein structure and function. To our knowledge, functional studies have not been reported for this variant. This variant has not been reported in individuals affected with RYR1-related disorders in the literature. This variant has been identified in 3/251322 chromosomes in the general population by the Genome Aggregation Database (gnomAD). The available evidence is insufficient to determine the role of this variant in disease conclusively. Therefore, this variant is classified as a Variant of Uncertain Significance.

This study involves interpretation of variants in research participants for the purpose of population health screening. Participant phenotype was not available at the time of variant classification. Additional details can be found in publication PMID: 35346344, PMCID: PMC8962531

Color Diagnostics, LLC DBA Color Health
Classification: Uncertain significance for Malignant hyperthermia, susceptibility to, 1. Last evaluated: 2024-05-20. Review status: criteria provided, single submitter. Criteria: ACMG Guidelines, 2015. Collection method: clinical testing. Allele origin: germline.
Comment: This missense variant replaces arginine with histidine at codon 3073 of the RYR1 protein. Computational prediction is inconclusive regarding the impact of this variant on protein structure and function. To our knowledge, functional studies have not been reported for this variant. This variant has not been reported in individuals affected with RYR1-related disorders in the literature. This variant has been identified in 3/251322 chromosomes in the general population by the Genome Aggregation Database (gnomAD). The available evidence is insufficient to determine the role of this variant in disease conclusively. Therefore, this variant is classified as a Variant of Uncertain Significance.